The following is an entry in ClinVar:

ClinVar aggregate classification (germline): Uncertain significance. Review status: criteria provided, multiple submitters, no conflicts (2 of 4 stars). 2 submissions from 2 submitters: Uncertain significance (2). Last evaluated 2025-06-04.

Conditions:
Inborn genetic diseases. Identifiers: MedGen C0950123, MeSH D030342.
Acute myeloid leukemia (AML). Also called: Leukemia, acute myeloid, somatic; Leukemia, acute myelogenous, somatic; Acute myeloid leukemia, adult; AML adult; Acute non-lymphocytic leukemia; Acute granulocytic leukemia. Identifiers: Orphanet 519, MedGen C0023467, MeSH D015470, MONDO:0018874, OMIM 601626, HP:0004808. Disease mechanism: Constitutively activated FLT3.

Submissions (2):

Labcorp Genetics (formerly Invitae), Labcorp
Classification: Uncertain significance for Acute myeloid leukemia. Last evaluated: 2025-06-04. Review status: criteria provided, single submitter. Criteria: Invitae Variant Classification Sherloc (09022015). Collection method: clinical testing. Allele origin: germline.
Comment: This sequence change replaces alanine, which is neutral and non-polar, with methionine, which is neutral and non-polar, at codon 265 of the CEBPA protein (p.Ala265Met). Information on the frequency of this variant in the gnomAD database is not available, as this variant may be reported differently in the database. This variant has not been reported in the literature in individuals affected with CEBPA-related conditions. ClinVar contains an entry for this variant (Variation ID: 456704). An algorithm developed to predict the effect of missense changes on protein structure and function (PolyPhen-2) suggests that this variant is likely to be disruptive. In summary, the available evidence is currently insufficient to determine the role of this variant in disease. Therefore, it has been classified as a Variant of Uncertain Significance.

Ambry Genetics
Classification: Uncertain significance for Inborn genetic diseases. Last evaluated: 2025-01-10. Review status: criteria provided, single submitter. Criteria: Ambry Variant Classification Scheme 2023. Collection method: clinical testing. Allele origin: germline.
Comment: The c.793_794delGCinsAT variant, located in coding exon 1 of the CEBPA gene, results from an in-frame deletion of GC and insertion of AT at nucleotide positions 793 to 794. This results in the substitution of the alanine residue for a methionine residue at codon 265, an amino acid with similar properties. This amino acid position is well conserved in available vertebrate species. Based on the available evidence, the clinical significance of this variant remains unclear.

NM_004364.5(CEBPA):c.793_794delinsAT (p.Ala265Met)

Gene: CEBPA (CCAAT enhancer binding protein alpha; minus strand). Cytogenetic location: 19q13.11.
Variant type: Indel.
Coding change: c.793_794delinsAT on transcript NM_004364.5 (MANE Select); coding-DNA positions 793 to 794, GC replaced by AT.
Protein change: p.Ala265Met; replaces alanine 265 with methionine.
Molecular consequence: missense variant.
Genome position (GRCh38, 1-based): chr19:33,301,621-33,301,622, GC replaced by AT on the plus strand (GC replaced by AT on the coding strand, the reverse complement: CEBPA is on the minus strand). VCF-style: chr19-33301621-GC-AT. GRCh37 (hg19) VCF-style: chr19-33792527-GC-AT.
Other names: c.436_437delinsAT, p.Ala146Met (NM_001285829.2); c.898_899delinsAT, p.Ala300Met (NM_001287424.2); c.751_752delinsAT, p.Ala251Met (NM_001287435.2); c.793_794delGCinsAT (NM_004364.3, NM_004364.4); short protein forms A146M, A251M, A265M, A300M.
Identifiers: ClinVar variation 456704 (VCV000456704.12), dbSNP rs1555742019, ClinGen allele CA658658803.